The following is an entry in ClinVar:

ClinVar aggregate classification (germline): Uncertain significance (1 of 4 stars; one submission).

Conditions:
Cornelia de Lange syndrome 1 (CDLS1). Also called: Brachmann de Lange syndrome; NIPBL-Related Cornelia de Lange Syndrome; TYPUS DEGENERATIVUS AMSTELODAMENSIS. Identifiers: Orphanet 199, MedGen C4551851, MONDO:0007387, OMIM 122470.

Submission:

Labcorp Genetics (formerly Invitae), Labcorp
Classification: Uncertain significance for Cornelia de Lange syndrome 1. Last evaluated: 2025-10-01. Review status: criteria provided, single submitter. Criteria: Invitae Variant Classification Sherloc (09022015). Collection method: clinical testing. Allele origin: germline.
Comment: This sequence change replaces methionine, which is neutral and non-polar, with isoleucine, which is neutral and non-polar, at codon 123 of the NIPBL protein (p.Met123Ile). This variant is not present in population databases (gnomAD no frequency). This variant has not been reported in the literature in individuals affected with NIPBL-related conditions. Invitae Evidence Modeling of protein sequence and biophysical properties (such as structural, functional, and spatial information, amino acid conservation, physicochemical variation, residue mobility, and thermodynamic stability) indicates that this missense variant is not expected to disrupt NIPBL protein function with a negative predictive value of 95%. In summary, the available evidence is currently insufficient to determine the role of this variant in disease. Therefore, it has been classified as a Variant of Uncertain Significance.

NM_133433.4(NIPBL):c.369G>A (p.Met123Ile)

Gene: NIPBL (NIPBL cohesin loading factor; plus strand). Cytogenetic location: 5p13.2.
Variant type: single nucleotide variant.
Coding change: c.369G>A on transcript NM_133433.4 (MANE Select); coding-DNA position 369, G replaced by A.
Protein change: p.Met123Ile; replaces methionine 123 with isoleucine.
Molecular consequence: missense variant.
Genome position (GRCh38, 1-based): chr5:36,961,494, G>A. VCF-style: chr5-36961494-G-A. GRCh37 (hg19) VCF-style: chr5-36961596-G-A.
Other names: c.369G>A, p.Met123Ile (NM_001438586.1, NM_015384.5); short protein forms M123I.
Identifiers: ClinVar variation 4771483 (VCV004771483.1).